The following is an entry in ClinVar:

NM_014974.3(DIP2C):c.2065C>G (p.Arg689Gly)

Gene: DIP2C (DIP2 acetate--CoA ligase C (putative); minus strand). Cytogenetic location: 10p15.3.
Variant type: single nucleotide variant.
Coding change: c.2065C>G on transcript NM_014974.3 (MANE Select); coding-DNA position 2065, C replaced by G.
Protein change: p.Arg689Gly; replaces arginine 689 with glycine.
Molecular consequence: missense variant.
Genome position (GRCh38, 1-based): chr10:369,560, G>C on the plus strand (C>G on the coding strand, the complement: DIP2C is on the minus strand). VCF-style: chr10-369560-G-C. GRCh37 (hg19) VCF-style: chr10-415500-G-C.
Other names: short protein forms R689G.
Identifiers: ClinVar variation 3644627 (VCV003644627.2).

ClinVar aggregate classification (germline): Uncertain significance (1 of 4 stars; one submission).

Submission:

Labcorp Genetics (formerly Invitae), Labcorp
Classification: Uncertain significance. Last evaluated: 2024-03-05. Review status: criteria provided, single submitter. Criteria: Invitae Variant Classification Sherloc (09022015). Collection method: clinical testing. Allele origin: germline.
Comment: This sequence change replaces arginine, which is basic and polar, with glycine, which is neutral and non-polar, at codon 689 of the DIP2C protein (p.Arg689Gly). This variant is not present in population databases (gnomAD no frequency). This variant has not been reported in the literature in individuals affected with DIP2C-related conditions. An algorithm developed to predict the effect of missense changes on protein structure and function (PolyPhen-2) suggests that this variant is likely to be disruptive. In summary, the available evidence is currently insufficient to determine the role of this variant in disease. Therefore, it has been classified as a Variant of Uncertain Significance.